The following is an entry in ClinVar:

ClinVar aggregate classification (germline): Benign. Review status: criteria provided, multiple submitters, no conflicts (2 of 4 stars). 3 submissions from 3 submitters: Benign (2). 1 of the submissions does not count toward it. Last evaluated 2019-12-31.

Conditions:
ARHGAP32-related disorder. Also called: ARHGAP32-related condition.

Allele frequency attached by ClinVar (database versions not stated): gnomAD exomes 0.00591; ExAC 0.00722; gnomAD 0.02253; 1000 Genomes Project 0.02416; TOPMed 0.02447; ESP Exome Variant Server 0.02576; 1000 Genomes Project 30x 0.02639.
gnomAD v4.1: 7,003 of 1,610,954 alleles (0.43%); highest among the groups gnomAD compares: African/African-American, 7.6%; 229 homozygotes.

Submissions (3):

Labcorp Genetics (formerly Invitae), Labcorp
Classification: Benign. Last evaluated: 2019-12-31. Review status: criteria provided, single submitter. Criteria: Invitae Variant Classification Sherloc (09022015). Collection method: clinical testing. Allele origin: germline.

Breakthrough Genomics
Classification: Benign. Review status: criteria provided, single submitter. Criteria: ACMG Guidelines, 2015. Collection method: not provided. Allele origin: germline. Inheritance: Unknown mechanism. Affected: yes.

PreventionGenetics, part of Exact Sciences
Classification: Benign for ARHGAP32-related condition. Last evaluated: 2019-11-11. Review status: no assertion criteria provided. Collection method: clinical testing. Allele origin: germline. Not counted in ClinVar's aggregate classification.
Comment: This variant is classified as benign based on ACMG/AMP sequence variant interpretation guidelines (Richards et al. 2015 PMID: 25741868, with internal and published modifications).

NM_001378024.1(ARHGAP32):c.276G>A (p.Thr92=)

Gene: ARHGAP32 (Rho GTPase activating protein 32; minus strand). Cytogenetic location: 11q24.3.
Variant type: single nucleotide variant.
Coding change: c.276G>A on transcript NM_001378024.1 (MANE Select); coding-DNA position 276, G replaced by A.
Protein change: p.Thr92=; no amino-acid change (threonine 92 retained).
Molecular consequence: synonymous variant.
Genome position (GRCh38, 1-based): chr11:129,124,844, C>T on the plus strand (G>A on the coding strand, the complement: ARHGAP32 is on the minus strand). VCF-style: chr11-129124844-C-T. GRCh37 (hg19) VCF-style: chr11-128994739-C-T.
Other names: c.276G>A, p.Thr92= (NM_001142685.2); c.156G>A, p.Thr52= (NM_001378025.1).
Identifiers: ClinVar variation 775301 (VCV000775301.7), dbSNP rs76444326, ClinGen allele CA6359464.